The following is an entry in ClinVar:

NM_001204.7(BMPR2):c.1837A>G (p.Thr613Ala)

Gene: BMPR2 (bone morphogenetic protein receptor type 2; plus strand). Cytogenetic location: 2q33.2.
Variant type: single nucleotide variant.
Coding change: c.1837A>G on transcript NM_001204.7 (MANE Select); coding-DNA position 1837, A replaced by G.
Protein change: p.Thr613Ala; replaces threonine 613 with alanine.
Molecular consequence: missense variant.
Genome position (GRCh38, 1-based): chr2:202,555,502, A>G. VCF-style: chr2-202555502-A-G. GRCh37 (hg19) VCF-style: chr2-203420225-A-G.
Other names: short protein forms T613A.
Identifiers: ClinVar variation 2724165 (VCV002724165.5), dbSNP rs141038240, ClinGen allele CA64043214.

ClinVar aggregate classification (germline): Conflicting classifications of pathogenicity. Review status: criteria provided, conflicting classifications (1 of 4 stars). 3 submissions from 3 submitters: Uncertain significance (2); Likely benign (1). Last evaluated 2025-04-08.

Conditions:
Inborn genetic diseases. Identifiers: MedGen C0950123, MeSH D030342.
Pulmonary hypertension, primary, 1 (PPH1). Also called: Pulmonary hypertension, familial primary, 1, with or without HHT. Identifiers: Orphanet 422, MedGen C4552070, MONDO:0024533, OMIM 178600.
Pulmonary venoocclusive disease 1 (PVOD1). Also called: Pulmonary venoocclusive disease 1, autosomal dominant. Identifiers: Orphanet 31837, MedGen C3887658, MONDO:0020713, OMIM 265450.
Primary pulmonary hypertension. Also called: Idiopathic pulmonary hypertension. Identifiers: MedGen C0152171.

Allele frequency attached by ClinVar (database versions not stated): gnomAD 0.00001; TOPMed 0.00001; ESP Exome Variant Server 0.00008.
gnomAD v4.1: 34 of 1,613,992 alleles (0.0021%); highest among the groups gnomAD compares: Non-Finnish European, 0.0027%; no homozygotes.

Submissions (3):

Labcorp Genetics (formerly Invitae), Labcorp
Classification: Likely benign for Primary pulmonary hypertension. Last evaluated: 2025-04-08. Review status: criteria provided, single submitter. Criteria: Invitae Variant Classification Sherloc (09022015). Collection method: clinical testing. Allele origin: germline.

Ambry Genetics
Classification: Uncertain significance for Inborn genetic diseases. Last evaluated: 2024-11-30. Review status: criteria provided, single submitter. Criteria: Ambry Variant Classification Scheme 2023. Collection method: clinical testing. Allele origin: germline.
Comment: The p.T613A variant (also known as c.1837A>G), located in coding exon 12 of the BMPR2 gene, results from an A to G substitution at nucleotide position 1837. The threonine at codon 613 is replaced by alanine, an amino acid with similar properties. This amino acid position is conserved. In addition, the in silico prediction for this alteration is inconclusive. Based on the available evidence, the clinical significance of this variant remains unclear.

Fulgent Genetics
Classification: Uncertain significance for Pulmonary hypertension, primary, 1; Pulmonary venoocclusive disease 1. Last evaluated: 2024-04-16. Review status: criteria provided, single submitter. Criteria: ACMG Guidelines, 2015. Collection method: clinical testing. Allele origin: germline.